The following is an entry in ClinVar:

NM_000551.4(VHL):c.340+771C>T

Genes: VHL (von Hippel-Lindau tumor suppressor; plus strand), LOC107303340 (3p25 von Hippel-Lindau tumor suppressor, E3 ubiquitin protein ligase Alu-mediated recombination region; plus strand). Cytogenetic location: 3p25.3.
Variant type: single nucleotide variant.
Coding change: c.340+771C>T on transcript NM_000551.4 (MANE Select); 771 bases into the intron after coding-DNA position 340, C replaced by T.
Molecular consequence: intron variant. On other transcripts: missense variant (1).
Genome position (GRCh38, 1-based): chr3:10,142,958, C>T. VCF-style: chr3-10142958-C-T. GRCh37 (hg19) VCF-style: chr3-10184642-C-T.
Other names: c.536C>T, p.Ser179Leu (NM_001354723.2); c.340+771C>T (NM_198156.3); short protein forms S179L.
Identifiers: ClinVar variation 2013873 (VCV002013873.4), dbSNP rs2470160252, ClinGen allele CA2580068447.

ClinVar aggregate classification (germline): Uncertain significance (1 of 4 stars; one submission).

Conditions:
Chuvash polycythemia. Also called: POLYCYTHEMIA, VHL-DEPENDENT. Identifiers: Orphanet 238557, MedGen C1837915, MONDO:0009892, OMIM 263400.
Von Hippel-Lindau syndrome (VHLS). Also called: von Hippel–Lindau syndrome; VHL syndrome; Von Hippel-Lindau. Identifiers: Orphanet 892, MedGen C0019562, MONDO:0008667, OMIM 193300. Disease mechanism: loss of function.

Submission:

Labcorp Genetics (formerly Invitae), Labcorp
Classification: Uncertain significance for Von Hippel-Lindau syndrome; Chuvash polycythemia. Last evaluated: 2024-01-24. Review status: criteria provided, single submitter. Criteria: Invitae Variant Classification Sherloc (09022015). Collection method: clinical testing. Allele origin: germline.
Comment: This sequence change falls in intron 1 of the VHL gene. It is not expected to change the encoded amino acid sequence of the VHL protein. However, this sequence change falls within a cryptic exon in the VHL gene, known as exon E1’, which is naturally expressed at low levels in several human tissues (PMID: 29891534). This variant is not present in population databases (gnomAD no frequency). This variant has not been reported in the literature in individuals affected with VHL-related conditions. ClinVar contains an entry for this variant (Variation ID: 2013873). Algorithms developed to predict the effect of sequence changes on RNA splicing suggest that this variant is not likely to affect RNA splicing. In summary, the available evidence is currently insufficient to determine the role of this variant in disease. Therefore, it has been classified as a Variant of Uncertain Significance.

Literature cited by the submitters: PubMed 29891534.